The following is an entry in ClinVar:

ClinVar aggregate classification (germline): Uncertain significance (1 of 4 stars; one submission).

Conditions:
Hereditary pheochromocytoma and paraganglioma. Also called: Hereditary paragangliomas and pheochromocytomas; Hereditary Paraganglioma-Pheochromocytoma Syndromes; Hereditary pheochromocytoma-paraganglioma. Identifiers: Orphanet 29072, MedGen C4274332, MONDO:0017366.

Allele frequency attached by ClinVar (database versions not stated): gnomAD exomes below 0.00001.

Submission:

Labcorp Genetics (formerly Invitae), Labcorp
Classification: Uncertain significance for Hereditary pheochromocytoma and paraganglioma. Last evaluated: 2024-02-25. Review status: criteria provided, single submitter. Criteria: Invitae Variant Classification Sherloc (09022015). Collection method: clinical testing. Allele origin: germline.
Comment: This sequence change replaces serine, which is neutral and polar, with isoleucine, which is neutral and non-polar, at codon 30 of the TMEM127 protein (p.Ser30Ile). This variant is not present in population databases (gnomAD no frequency). This variant has not been reported in the literature in individuals affected with TMEM127-related conditions. ClinVar contains an entry for this variant (Variation ID: 1510301). An algorithm developed to predict the effect of missense changes on protein structure and function (PolyPhen-2) suggests that this variant is likely to be disruptive. In summary, the available evidence is currently insufficient to determine the role of this variant in disease. Therefore, it has been classified as a Variant of Uncertain Significance.

NM_017849.4(TMEM127):c.89G>T (p.Ser30Ile)

Genes: TMEM127 (transmembrane protein 127; minus strand), LOC129934333 (ATAC-STARR-seq lymphoblastoid silent region 11759; plus strand). Cytogenetic location: 2q11.2.
Variant type: single nucleotide variant.
Coding change: c.89G>T on transcript NM_017849.4 (MANE Select); coding-DNA position 89, G replaced by T.
Protein change: p.Ser30Ile; replaces serine 30 with isoleucine.
Molecular consequence: missense variant.
Genome position (GRCh38, 1-based): chr2:96,265,293, C>A on the plus strand (G>T on the coding strand, the complement: TMEM127 is on the minus strand). VCF-style: chr2-96265293-C-A. GRCh37 (hg19) VCF-style: chr2-96931031-C-A.
Other names: c.89G>T, p.Ser30Ile (NM_001193304.3); short protein forms S30I.
Identifiers: ClinVar variation 1510301 (VCV001510301.6), dbSNP rs2104308085, ClinGen allele CA347656134.